The following is an entry in ClinVar:

ClinVar aggregate classification (germline): Benign/Likely benign. Review status: criteria provided, multiple submitters, no conflicts (2 of 4 stars). 3 submissions from 3 submitters: Benign (1); Likely benign (2). Last evaluated 2025-12-16.

Conditions:
ATOH7-related condition.

Allele frequency attached by ClinVar (database versions not stated): ESP Exome Variant Server 0.00008; TOPMed 0.00009; gnomAD 0.00011 and 0.00022; ExAC 0.00046; 1000 Genomes Project 30x 0.00062.
gnomAD v4.1: 466 of 1,613,446 alleles (0.029%); highest among the groups gnomAD compares: Middle Eastern, 0.3%; 4 homozygotes.

Submissions (3):

PreventionGenetics, part of Exact Sciences
Classification: Likely benign for ATOH7-related condition. Last evaluated: 2025-12-16. Review status: criteria provided, single submitter. Criteria: ACMG Guidelines, 2015. Collection method: clinical testing. Allele origin: germline.
Comment: This variant is classified as likely benign based on ACMG/AMP sequence variant interpretation guidelines (Richards et al. 2015 PMID: 25741868, with internal and published modifications).

Labcorp Genetics (formerly Invitae), Labcorp
Classification: Benign. Last evaluated: 2025-11-21. Review status: criteria provided, single submitter. Criteria: Invitae Variant Classification Sherloc (09022015). Collection method: clinical testing. Allele origin: germline.

Blueprint Genetics
Classification: Likely benign. Last evaluated: 2024-11-26. Review status: criteria provided, single submitter. Criteria: ACMG Guidelines, 2015. Collection method: clinical testing. Allele origin: germline.

NM_145178.4(ATOH7):c.336C>T (p.His112=)

Gene: ATOH7 (atonal bHLH transcription factor 7; minus strand). Cytogenetic location: 10q21.3.
Variant type: single nucleotide variant.
Coding change: c.336C>T on transcript NM_145178.4 (MANE Select); coding-DNA position 336, C replaced by T.
Protein change: p.His112=; no amino-acid change (histidine 112 retained).
Molecular consequence: synonymous variant.
Genome position (GRCh38, 1-based): chr10:68,231,342, G>A on the plus strand (C>T on the coding strand, the complement: ATOH7 is on the minus strand). VCF-style: chr10-68231342-G-A. GRCh37 (hg19) VCF-style: chr10-69991099-G-A.
Other names: c.336C>T (NM_145178.3).
Identifiers: ClinVar variation 1167445 (VCV001167445.11), dbSNP rs201955526, ClinGen allele CA5523341.
Genomic context (GRCh38, chr10:68,231,342, plus strand): 5'-CTCGCCCGGCAGCTTCGCGCCCGGGAACGGGAGGTAGTGGTCGCGGCCGAAGTGCTCACA[G>A]TGGAGACCCACCCAGTCCCGCTCCGAGCCGAATCGCTCGGCCTCGGCCAGGATCCGGGTC-3'
Protein context (NP_660161.1, residues 102-122): FGSERDWVGL[His112=]CEHFGRDHYL